The following is an entry in ClinVar:

NM_000051.4(ATM):c.2125A>T (p.Ile709Phe)

Gene: ATM (ATM serine/threonine kinase; plus strand). Cytogenetic location: 11q22.3.
Variant type: single nucleotide variant.
Coding change: c.2125A>T on transcript NM_000051.4 (MANE Select); coding-DNA position 2125, A replaced by T.
Protein change: p.Ile709Phe; replaces isoleucine 709 with phenylalanine.
Molecular consequence: missense variant.
Genome position (GRCh38, 1-based): chr11:108,256,215, A>T. VCF-style: chr11-108256215-A-T. GRCh37 (hg19) VCF-style: chr11-108126942-A-T.
Other names: c.2125A>T, p.Ile709Phe (NM_001351834.2); short protein forms I709F.
Identifiers: ClinVar variation 245775 (VCV000245775.15), dbSNP rs864622259, ClinGen allele CA10584329.
Genomic context (GRCh38, chr11:108,256,215, plus strand): 5'-GATAGAGTATACTAAATTATTTATGAAATATATATATTTTTATTTGTGGTTTACTTTAAG[A>T]TTACAAATTCAGAAACTCTTGTCCGGTGTTCACGTCTTTTGGTGGGTGTCCTTGGCTGCT-3'
Protein context (NP_000042.3, residues 699-719): EQLLNNYSSE[Ile709Phe]TNSETLVRCS

ClinVar aggregate classification (germline): Uncertain significance. Review status: criteria provided, multiple submitters, no conflicts (2 of 4 stars). 3 submissions from 3 submitters: Uncertain significance (3). Last evaluated 2026-01-11.

Conditions:
Hereditary cancer-predisposing syndrome. Also called: Neoplastic Syndromes, Hereditary; Tumor predisposition; Hereditary neoplastic syndrome; Hereditary Cancer Syndrome. Identifiers: Orphanet 140162, MedGen C0027672, MeSH D009386, MONDO:0015356.
Ataxia-telangiectasia syndrome (AT). Also called: Cerebello-oculocutaneous telangiectasia; Immunodeficiency with ataxia telangiectasia; Ataxia-telangiectasia; Ataxia telangiectasia (A-T); LOUIS-BAR SYNDROME; Ataxia-telangiectasia, complementation group D. Identifiers: Orphanet 100, MedGen C0004135, MONDO:0008840, OMIM 208900.

Submissions (3):

Labcorp Genetics (formerly Invitae), Labcorp
Classification: Uncertain significance for Ataxia-telangiectasia syndrome. Last evaluated: 2026-01-11. Review status: criteria provided, single submitter. Criteria: Invitae Variant Classification Sherloc (09022015). Collection method: clinical testing. Allele origin: germline.
Comment: This sequence change replaces isoleucine, which is neutral and non-polar, with phenylalanine, which is neutral and non-polar, at codon 709 of the ATM protein (p.Ile709Phe). This variant is not present in population databases (gnomAD no frequency). This variant has not been reported in the literature in individuals affected with ATM-related conditions. ClinVar contains an entry for this variant (Variation ID: 245775). An algorithm developed to predict the effect of missense changes on protein structure and function (PolyPhen-2) suggests that this variant is likely to be tolerated. In summary, the available evidence is currently insufficient to determine the role of this variant in disease. Therefore, it has been classified as a Variant of Uncertain Significance.

Ambry Genetics
Classification: Uncertain significance for Hereditary cancer-predisposing syndrome. Last evaluated: 2021-01-26. Review status: criteria provided, single submitter. Criteria: Ambry Variant Classification Scheme 2023. Collection method: clinical testing. Allele origin: germline.
Comment: The p.I709F variant (also known as c.2125A>T), located in coding exon 13 of the ATM gene, results from an A to T substitution at nucleotide position 2125. This variant impacts the first base pair of coding exon 13. The isoleucine at codon 709 is replaced by phenylalanine, an amino acid with highly similar properties. This amino acid position is poorly conserved in available vertebrate species. In addition, this alteration is predicted to be tolerated by in silico analysis. Since supporting evidence is limited at this time, the clinical significance of this alteration remains unclear.

GeneDx
Classification: Uncertain significance. Last evaluated: 2016-02-24. Review status: criteria provided, single submitter. Criteria: GeneDx Variant Classification (06012015). Collection method: clinical testing. Allele origin: germline. Affected: yes.
Comment: This variant is denoted ATM c.2125A>T at the cDNA level, p.Ile709Phe (I709F) at the protein level, and results in the change of an Isoleucine to a Phenylalanine (ATT>TTT). This variant has not, to our knowledge, been published in the literature as pathogenic or benign. ATM Ile709Phe was not observed in approximately 6,500 individuals of European and African American ancestry in the NHLBI Exome Sequencing Project, indicating it is not a common benign variant in these populations. Since Isoleucine and Phenylalanine share similar properties, this is considered a conservative amino acid substitution. ATM Ile709Phe occurs at a position that is not conserved and is not located in a known functional domain (Tavtigian 2009, UniProt). While protein-based in silico analyses predict that this variant is unlikely to alter protein structure or function, multiple splicing models predict that this variant may damage the natural splice acceptor site for intron 13 and lead to abnormal splicing. However, in the absence of RNA or functional studies, the actual effect of this variant is unknown. Based on currently available information, it is unclear whether ATM Ile709Phe is pathogenic or benign. We consider it to be a variant of uncertain significance.